The following is an entry in ClinVar:

NM_001605.3(AARS1):c.722G>C (p.Gly241Ala)

Gene: AARS1 (alanyl-tRNA synthetase 1; minus strand). Cytogenetic location: 16q22.1.
Variant type: single nucleotide variant.
Coding change: c.722G>C on transcript NM_001605.3 (MANE Select); coding-DNA position 722, G replaced by C.
Protein change: p.Gly241Ala; replaces glycine 241 with alanine.
Molecular consequence: missense variant.
Genome position (GRCh38, 1-based): chr16:70,270,290, C>G on the plus strand (G>C on the coding strand, the complement: AARS1 is on the minus strand). VCF-style: chr16-70270290-C-G. GRCh37 (hg19) VCF-style: chr16-70304193-C-G.
Other names: short protein forms G241A.
Identifiers: ClinVar variation 2832788 (VCV002832788.3), dbSNP rs2507017959, ClinGen allele CA396565535.

ClinVar aggregate classification (germline): Uncertain significance (1 of 4 stars; one submission).

Conditions:
Charcot-Marie-Tooth disease type 2. Also called: Charcot-Marie-Tooth type 2. Identifiers: Orphanet 64746, MedGen C0270914, MONDO:0018993.

Submission:

Labcorp Genetics (formerly Invitae), Labcorp
Classification: Uncertain significance for Charcot-Marie-Tooth disease type 2. Last evaluated: 2023-01-29. Review status: criteria provided, single submitter. Criteria: Invitae Variant Classification Sherloc (09022015). Collection method: clinical testing. Allele origin: germline.
Comment: This sequence change replaces glycine, which is neutral and non-polar, with alanine, which is neutral and non-polar, at codon 241 of the AARS protein (p.Gly241Ala). In summary, the available evidence is currently insufficient to determine the role of this variant in disease. Therefore, it has been classified as a Variant of Uncertain Significance. Advanced modeling of protein sequence and biophysical properties (such as structural, functional, and spatial information, amino acid conservation, physicochemical variation, residue mobility, and thermodynamic stability) performed at Invitae indicates that this missense variant is expected to disrupt AARS protein function. This variant has not been reported in the literature in individuals affected with AARS-related conditions. This variant is not present in population databases (gnomAD no frequency).